The following is an entry in ClinVar:

ClinVar aggregate classification (germline): Benign. Review status: criteria provided, multiple submitters, no conflicts (2 of 4 stars). 4 submissions from 4 submitters: Benign (4). Last evaluated 2026-02-01.

Allele frequency attached by ClinVar (database versions not stated): 1000 Genomes Project 0.00519; 1000 Genomes Project 30x 0.00562; gnomAD 0.00704 and 0.00706; TOPMed 0.00712; gnomAD exomes 0.00728 and 0.01065; ExAC 0.00793; ESP Exome Variant Server 0.00846.
gnomAD v4.1: 16,580 of 1,609,770 alleles (1%); highest among the groups gnomAD compares: Non-Finnish European, 1.2%; 112 homozygotes.

Submissions (4):

Labcorp Genetics (formerly Invitae), Labcorp
Classification: Benign. Last evaluated: 2026-02-01. Review status: criteria provided, single submitter. Criteria: Invitae Variant Classification Sherloc (09022015). Collection method: clinical testing. Allele origin: germline.

ARUP Laboratories, Molecular Genetics and Genomics, ARUP Laboratories
Classification: Benign. Last evaluated: 2023-11-09. Review status: criteria provided, single submitter. Criteria: ARUP Molecular Germline Variant Investigation Process 2024. Collection method: clinical testing. Allele origin: germline.

CeGaT Center for Human Genetics Tuebingen
Classification: Benign. Last evaluated: 2023-03-01. Review status: criteria provided, single submitter. Criteria: CeGaT Center For Human Genetics Tuebingen Variant Classification Criteria Version 2. Collection method: clinical testing. Allele origin: germline. Affected: yes. Observed: 3 variant alleles.
Comment: VAV1: BP4, BP7, BS1, BS2

Breakthrough Genomics
Classification: Benign. Review status: criteria provided, single submitter. Criteria: ACMG Guidelines, 2015. Collection method: not provided. Allele origin: germline. Inheritance: Unknown mechanism. Affected: yes.

NM_005428.4(VAV1):c.1524G>A (p.Pro508=)

Gene: VAV1 (vav guanine nucleotide exchange factor 1; plus strand). Cytogenetic location: 19p13.3.
Variant type: single nucleotide variant.
Coding change: c.1524G>A on transcript NM_005428.4 (MANE Select); coding-DNA position 1524, G replaced by A.
Protein change: p.Pro508=; no amino-acid change (proline 508 retained).
Molecular consequence: synonymous variant.
Genome position (GRCh38, 1-based): chr19:6,833,199, G>A. VCF-style: chr19-6833199-G-A. GRCh37 (hg19) VCF-style: chr19-6833210-G-A.
Other names: c.1524G>A, p.Pro508= (NM_001258206.2); c.1428G>A, p.Pro476= (NM_001258207.2).
Identifiers: ClinVar variation 440399 (VCV000440399.45), dbSNP rs117509372, ClinGen allele CA9132621.